The following is an entry in ClinVar:

NM_001379081.2(FREM1):c.5205-4A>G

Gene: FREM1 (FRAS1 related extracellular matrix 1; minus strand). Cytogenetic location: 9p22.3.
Variant type: single nucleotide variant.
Coding change: c.5205-4A>G on transcript NM_001379081.2 (MANE Select); 4 bases into the intron before coding-DNA position 5205, A replaced by G.
Molecular consequence: intron variant.
Genome position (GRCh38, 1-based): chr9:14,759,905, T>C on the plus strand (A>G on the coding strand, the complement: FREM1 is on the minus strand). VCF-style: chr9-14759905-T-C. GRCh37 (hg19) VCF-style: chr9-14759903-T-C.
Other names: c.5205-4A>G (NM_144966.7); c.813-4A>G (NM_001370061.2, NM_001370058.2, NM_001177704.3).
Identifiers: ClinVar variation 712969 (VCV000712969.10), dbSNP rs746001376, ClinGen allele CA4989846.
Genomic context (GRCh38, chr9:14,759,905, plus strand): 5'-TCACAGACTTCATATTCGGTCTGTGACCATTCAATATGAGACCACTTCAGTTCCAAACTG[T>C]GTGTGAAAGGAAAAGAGAAATCATGAGAATGCATAGTATATGCCTATAGGGATTCTCTGC-3'

ClinVar aggregate classification (germline): Likely benign. Review status: criteria provided, single submitter (1 of 4 stars). 2 submissions from 2 submitters: Likely benign (1). 1 of the submissions does not count toward it. Last evaluated 2025-11-11.

Conditions:
FREM1-related disorder. Also called: FREM1-Related Disorders; FREM1-related condition.

Allele frequency attached by ClinVar (database versions not stated): gnomAD 0.00003; TOPMed 0.00008; gnomAD exomes 0.00011 and 0.00020; ExAC 0.00016.
gnomAD v4.1: 69 of 1,605,808 alleles (0.0043%); highest among the groups gnomAD compares: Admixed American, 0.11%; no homozygotes.

Submissions (2):

Labcorp Genetics (formerly Invitae), Labcorp
Classification: Likely benign. Last evaluated: 2025-11-11. Review status: criteria provided, single submitter. Criteria: Invitae Variant Classification Sherloc (09022015). Collection method: clinical testing. Allele origin: germline.

PreventionGenetics, part of Exact Sciences
Classification: Likely benign for FREM1-related condition. Last evaluated: 2021-09-13. Review status: no assertion criteria provided. Collection method: clinical testing. Allele origin: germline. Not counted in ClinVar's aggregate classification.
Comment: This variant is classified as likely benign based on ACMG/AMP sequence variant interpretation guidelines (Richards et al. 2015 PMID: 25741868, with internal and published modifications).